The following is an entry in ClinVar:

NM_001876.4(CPT1A):c.1914_1915del (p.Lys639fs)

Gene: CPT1A (carnitine palmitoyltransferase 1A; minus strand). Cytogenetic location: 11q13.3.
Variant type: Microsatellite.
Coding change: c.1914_1915del on transcript NM_001876.4 (MANE Select); coding-DNA positions 1914 to 1915, 2 bases deleted (GA; older notation c.1914_1915delGA).
Protein change: p.Lys639fs; shifts the reading frame from lysine 639.
Molecular consequence: frameshift variant.
Genome position (GRCh38, 1-based): chr11:68,761,648-68,761,649, TC deleted on the plus strand (GA on the coding strand, the reverse complement: CPT1A is on the minus strand); deleting any 2 consecutive bases within chr11:68,761,648-68,761,651 gives the same sequence; the c. name uses the placement nearest the transcript's 3' end. VCF-style (leftmost placement, unchanged base first): chr11-68761647-TTC-T. GRCh37 (hg19) VCF-style: chr11-68529115-TTC-T.
Other names: c.1914_1915del, p.Lys639fs (NM_001031847.3); short protein forms K639fs.
Identifiers: ClinVar variation 1725483 (VCV001725483.2), dbSNP rs2495513054, ClinGen allele CA2580615800.

ClinVar aggregate classification (germline): Likely pathogenic (1 of 4 stars; one submission).

Conditions:
Carnitine palmitoyl transferase 1A deficiency. Also called: CPT I DEFICIENCY; CPT DEFICIENCY, HEPATIC, TYPE I; Carnitine palmitoyltransferase type I deficiency; CPT deficiency, hepatic, type IA; Carnitine palmitoyltransferase 1A deficiency. Identifiers: Orphanet 156, MedGen C1829703, MONDO:0009705, OMIM 255120.

Submission:

Myriad Genetics, Inc.
Classification: Likely pathogenic for Carnitine palmitoyl transferase 1A deficiency. Last evaluated: 2022-03-27. Review status: criteria provided, single submitter. Criteria: Myriad Women's Health Autosomal Recessive and X-Linked Classification Criteria (2021). Collection method: clinical testing. Allele origin: unknown.
Comment: NM_001876.3(CPT1A):c.1914_1915delGA(K639Afs*26) is expected to be pathogenic in the context of carnitine palmitoyltransferase IA deficiency. This variant is predicted to lead to an abnormal or absent protein product due to the creation of a premature termination codon in CPT1A, a gene where loss-of-function variants are known to be pathogenic. Please note: this variant was assessed in the context of healthy population screening.